The following is an entry in ClinVar:

ClinVar aggregate classification (germline): Likely benign. Review status: criteria provided, multiple submitters, no conflicts (2 of 4 stars). 3 submissions from 3 submitters: Likely benign (2). 1 of the submissions does not count toward it. Last evaluated 2024-02-23.

Conditions:
Meckel-Gruber syndrome. Also called: DYSENCEPHALIA SPLANCHNOCYSTICA; GRUBER SYNDROME; Dysencephalia splachnocystica. Identifiers: Orphanet 564, MedGen C0265215, MONDO:0018921.
Joubert syndrome. Also called: JOUBERT-BOLTSHAUSER SYNDROME; Familial aplasia of the vermis. Identifiers: Orphanet 475, MedGen C5979921, MONDO:0018772.
RPGRIP1L-related disorder. Also called: RPGRIP1L-related condition; RPGRIP1L-related disorders. Identifiers: MedGen CN239416.

Allele frequency attached by ClinVar (database versions not stated): ExAC 0.00001; gnomAD exomes 0.00001; TOPMed 0.00002; gnomAD 0.00003; 1000 Genomes Project 0.00020; 1000 Genomes Project 30x 0.00031.
gnomAD v4.1: 28 of 1,600,046 alleles (0.0017%); highest among the groups gnomAD compares: African/African-American, 0.004%; no homozygotes.

Submissions (3):

Labcorp Genetics (formerly Invitae), Labcorp
Classification: Likely benign for Joubert syndrome; Meckel-Gruber syndrome. Last evaluated: 2024-02-23. Review status: criteria provided, single submitter. Criteria: Invitae Variant Classification Sherloc (09022015). Collection method: clinical testing. Allele origin: germline.

Blueprint Genetics
Classification: Likely benign. Last evaluated: 2023-02-15. Review status: criteria provided, single submitter. Criteria: ACMG Guidelines, 2015. Collection method: clinical testing. Allele origin: germline.

PreventionGenetics, part of Exact Sciences
Classification: Likely benign for RPGRIP1L-related condition. Last evaluated: 2022-12-07. Review status: no assertion criteria provided. Collection method: clinical testing. Allele origin: germline. Not counted in ClinVar's aggregate classification.
Comment: This variant is classified as likely benign based on ACMG/AMP sequence variant interpretation guidelines (Richards et al. 2015 PMID: 25741868, with internal and published modifications).

NM_015272.5(RPGRIP1L):c.1351-7A>G

Gene: RPGRIP1L (RPGRIP1 like; minus strand). Cytogenetic location: 16q12.2.
Variant type: single nucleotide variant.
Coding change: c.1351-7A>G on transcript NM_015272.5 (MANE Select); 7 bases into the intron before coding-DNA position 1351, A replaced by G.
Molecular consequence: intron variant.
Genome position (GRCh38, 1-based): chr16:53,658,471, T>C on the plus strand (A>G on the coding strand, the complement: RPGRIP1L is on the minus strand). VCF-style: chr16-53658471-T-C. GRCh37 (hg19) VCF-style: chr16-53692383-T-C.
Other names: c.1351-7A>G (NM_001127897.4, NM_001330538.2, NM_001308334.3 and 1 more transcripts).
Identifiers: ClinVar variation 704663 (VCV000704663.11), dbSNP rs559918716, ClinGen allele CA8057821.